The following is an entry in ClinVar:

ClinVar aggregate classification (germline): Uncertain significance (1 of 4 stars; one submission).

Conditions:
Inborn genetic diseases. Identifiers: MedGen C0950123, MeSH D030342.

Submission:

Ambry Genetics
Classification: Uncertain significance for Inborn genetic diseases. Last evaluated: 2021-05-19. Review status: criteria provided, single submitter. Criteria: Ambry Variant Classification Scheme 2023. Collection method: clinical testing. Allele origin: germline.
Comment: The p.Q152H variant (also known as c.456A>C), located in coding exon 3 of the HSPB1 gene, results from an A to C substitution at nucleotide position 456. The glutamine at codon 152 is replaced by histidine, an amino acid with highly similar properties. This amino acid position is poorly conserved in available vertebrate species. In addition, this alteration is predicted to be tolerated by in silico analysis. Since supporting evidence is limited at this time, the clinical significance of this alteration remains unclear.

NM_001540.5(HSPB1):c.456A>C (p.Gln152His)

Gene: HSPB1 (heat shock protein family B (small) member 1; plus strand). Cytogenetic location: 7q11.23.
Variant type: single nucleotide variant.
Coding change: c.456A>C on transcript NM_001540.5 (MANE Select); coding-DNA position 456, A replaced by C.
Protein change: p.Gln152His; replaces glutamine 152 with histidine.
Molecular consequence: missense variant.
Genome position (GRCh38, 1-based): chr7:76,304,011, A>C. VCF-style: chr7-76304011-A-C. GRCh37 (hg19) VCF-style: chr7-75933328-A-C.
Other names: short protein forms Q152H.
Identifiers: ClinVar variation 1741536 (VCV001741536.2), dbSNP rs1361722068, ClinGen allele CA367765824.
Genomic context (GRCh38, chr7:76,304,011, plus strand): 5'-TGTAACGCTTGCCTTTCCTCTCTGCACGTCCAGGCTGCCCCCCGGTGTGGACCCCACCCA[A>C]GTTTCCTCCTCCCTGTCCCCTGAGGGCACACTGACCGTGGAGGCCCCCATGCCCAAGCTA-3'
Protein context (NP_001531.1, residues 142-162): YTLPPGVDPT[Gln152His]VSSSLSPEGT